The following is an entry in ClinVar:

NM_004380.3(CREBBP):c.1867G>C (p.Asp623His)

Gene: CREBBP (CREB binding lysine acetyltransferase; minus strand). Cytogenetic location: 16p13.3.
Variant type: single nucleotide variant.
Coding change: c.1867G>C on transcript NM_004380.3 (MANE Select); coding-DNA position 1867, G replaced by C.
Protein change: p.Asp623His; replaces aspartic acid 623 with histidine.
Molecular consequence: missense variant.
Genome position (GRCh38, 1-based): chr16:3,778,774, C>G on the plus strand (G>C on the coding strand, the complement: CREBBP is on the minus strand). VCF-style: chr16-3778774-C-G. GRCh37 (hg19) VCF-style: chr16-3828775-C-G.
Other names: c.1753G>C, p.Asp585His (NM_001079846.1); short protein forms D585H, D623H.
Identifiers: ClinVar variation 4995201 (VCV004995201.1).

ClinVar aggregate classification (germline): Uncertain significance (1 of 4 stars; one submission).

Conditions:
CREBBP-related disorder. Also called: CREBBP-related disorders; CREBBP-related condition.

Submission:

PreventionGenetics, part of Exact Sciences
Classification: Uncertain significance for CREBBP-related condition. Last evaluated: 2026-01-22. Review status: criteria provided, single submitter. Criteria: ACMG Guidelines, 2015. Collection method: clinical testing. Allele origin: germline.
Comment: The CREBBP c.1867G>C variant is predicted to result in the amino acid substitution p.Asp623His. To our knowledge, this variant has not been reported in the literature or in a large population database (gnomAD), indicating this variant is rare. At this time, the clinical significance of this variant is uncertain due to the absence of conclusive functional and genetic evidence.